The following is an entry in ClinVar:

NM_003242.6(TGFBR2):c.437A>T (p.Asn146Ile)

Gene: TGFBR2 (transforming growth factor beta receptor 2; plus strand). Cytogenetic location: 3p24.1.
Variant type: single nucleotide variant.
Coding change: c.437A>T on transcript NM_003242.6 (MANE Select); coding-DNA position 437, A replaced by T.
Protein change: p.Asn146Ile; replaces asparagine 146 with isoleucine.
Molecular consequence: missense variant.
Genome position (GRCh38, 1-based): chr3:30,650,443, A>T. VCF-style: chr3-30650443-A-T. GRCh37 (hg19) VCF-style: chr3-30691935-A-T.
Other names: c.512A>T, p.Asn171Ile (NM_001024847.3, NM_001407126.1, NM_001407139.1); c.437A>T, p.Asn146Ile (NM_001407127.1, NM_001407130.1); c.464A>T, p.Asn155Ile (NM_001407128.1); c.332A>T, p.Asn111Ile (NM_001407129.1, NM_001407132.1, NM_001407133.1 and 3 more transcripts); short protein forms N146I, N171I, N155I, N111I.
Identifiers: ClinVar variation 1098749 (VCV001098749.2), dbSNP rs863223836, ClinGen allele CA351807097.
Genomic context (GRCh38, chr3:30,650,443, plus strand): 5'-AAAAAAAGCCTGGTGAGACTTTCTTCATGTGTTCCTGTAGCTCTGATGAGTGCAATGACA[A>T]CATCATCTTCTCAGAAGGTGAGTTTTCTTCTCTTAAGGGTGTGGGACCTGAGATCTGTGC-3'
Protein context (NP_003233.4, residues 136-156): CSCSSDECND[Asn146Ile]IIFSEEYNTS

ClinVar aggregate classification (germline): Uncertain significance (1 of 4 stars; one submission).

Submission:

Women's Health and Genetics/Laboratory Corporation of America, LabCorp
Classification: Uncertain significance. Last evaluated: 2021-04-20. Review status: criteria provided, single submitter. Criteria: LabCorp Variant Classification Summary - May 2015. Collection method: clinical testing. Allele origin: germline.
Comment: Variant summary: TGFBR2 c.437A>T (p.Asn146Ile) results in a non-conservative amino acid change located in the Protein kinase domain (IPR000719) of the encoded protein sequence. Four of five in-silico tools predict a benign effect of the variant on protein function. The variant was absent in 250774 control chromosomes. The available data on variant occurrences in the general population are insufficient to allow any conclusion about variant significance. To our knowledge, no occurrence of c.437A>T in individuals affected with Loeys-Dietz Syndrome and no experimental evidence demonstrating its impact on protein function have been reported. No clinical diagnostic laboratories have submitted clinical-significance assessments for this variant to ClinVar after 2014. Based on the evidence outlined above, the variant was classified as uncertain significance.